The following is an entry in ClinVar:

ClinVar aggregate classification (germline): Uncertain significance (1 of 4 stars; one submission).

gnomAD v4.1: 4 of 1,613,642 alleles (0.00025%); highest among the groups gnomAD compares: Admixed American, 0.005%; no homozygotes.

Submission:

Labcorp Genetics (formerly Invitae), Labcorp
Classification: Uncertain significance. Last evaluated: 2024-05-21. Review status: criteria provided, single submitter. Criteria: Invitae Variant Classification Sherloc (09022015). Collection method: clinical testing. Allele origin: germline.
Comment: This sequence change replaces glycine, which is neutral and non-polar, with valine, which is neutral and non-polar, at codon 786 of the REST protein (p.Gly786Val). This variant is present in population databases (no rsID available, gnomAD 0.006%). This variant has not been reported in the literature in individuals affected with REST-related conditions. Algorithms developed to predict the effect of missense changes on protein structure and function output the following: SIFT: "Not Available"; PolyPhen-2: "Benign"; Align-GVGD: "Not Available". The valine amino acid residue is found in multiple mammalian species, which suggests that this missense change does not adversely affect protein function. In summary, the available evidence is currently insufficient to determine the role of this variant in disease. Therefore, it has been classified as a Variant of Uncertain Significance.

NM_005612.5(REST):c.2357G>T (p.Gly786Val)

Gene: REST (RE1 silencing transcription factor; plus strand). Cytogenetic location: 4q12.
Variant type: single nucleotide variant.
Coding change: c.2357G>T on transcript NM_005612.5 (MANE Select); coding-DNA position 2357, G replaced by T.
Protein change: p.Gly786Val; replaces glycine 786 with valine.
Molecular consequence: missense variant.
Genome position (GRCh38, 1-based): chr4:56,931,215, G>T. VCF-style: chr4-56931215-G-T. GRCh37 (hg19) VCF-style: chr4-57797381-G-T.
Other names: c.2357G>T, p.Gly786Val (NM_001193508.2, NM_001363453.3); short protein forms G786V.
Identifiers: ClinVar variation 3710124 (VCV003710124.2).